The following is an entry in ClinVar:

NM_012281.3(KCND2):c.1123G>T (p.Asp375Tyr)

Gene: KCND2 (potassium voltage-gated channel subfamily D member 2; plus strand). Cytogenetic location: 7q31.31.
Variant type: single nucleotide variant.
Coding change: c.1123G>T on transcript NM_012281.3 (MANE Select); coding-DNA position 1123, G replaced by T.
Protein change: p.Asp375Tyr; replaces aspartic acid 375 with tyrosine.
Molecular consequence: missense variant.
Genome position (GRCh38, 1-based): chr7:120,732,910, G>T. VCF-style: chr7-120732910-G-T. GRCh37 (hg19) VCF-style: chr7-120372964-G-T.
Other names: short protein forms D375Y.
Identifiers: ClinVar variation 5009529 (VCV005009529.1).

ClinVar aggregate classification (germline): Uncertain significance (1 of 4 stars; one submission).

Submission:

GeneDx
Classification: Uncertain significance. Last evaluated: 2026-03-19. Review status: criteria provided, single submitter. Criteria: GeneDx Variant Classification Process June 2021. Collection method: clinical testing. Allele origin: germline.
Comment: Not observed at significant frequency in large population cohorts (gnomAD); In silico analysis supports that this missense variant has a deleterious effect on protein structure/function; Has not been previously published as pathogenic or benign to our knowledge